The following is an entry in ClinVar:

NM_007294.4(BRCA1):c.5276del (p.Lys1759fs)

Gene: BRCA1 (BRCA1 DNA repair associated; minus strand). Cytogenetic location: 17q21.31.
Variant type: Deletion.
Coding change: c.5276del on transcript NM_007294.4 (MANE Select); coding-DNA position 5276, one base deleted (A; older notation c.5276delA).
Protein change: p.Lys1759fs; shifts the reading frame from lysine 1759.
Molecular consequence: frameshift variant. On other transcripts: non-coding transcript variant (1).
Genome position (GRCh38, 1-based): chr17:43,057,053, T deleted on the plus strand (A on the coding strand, the reverse complement: BRCA1 is on the minus strand); the first of 3 consecutive T bases (chr17:43,057,053-43,057,055); deleting any one gives the same sequence. VCF-style (leftmost placement, unchanged base first): chr17-43057052-CT-C. GRCh37 (hg19) VCF-style: chr17-41209069-CT-C.
Other names: 5393delA; c.5276delA (NM_007294.3); c.5061delA, p.Lys1688Argfs (NM_001407571.1, NM_001407894.1, NM_001407895.1 and 12 more transcripts); c.5340delA, p.Lys1781Argfs (NM_001407581.1, NM_001407582.1); c.5337delA, p.Lys1780Argfs (NM_001407583.1, NM_001407585.1, NM_001407587.1); c.5334delA, p.Lys1779Argfs (NM_001407590.1, NM_001407591.1); c.5274delA, p.Lys1759Argfs (NM_001407593.1, NM_001407594.1, NM_001407596.1 and 7 more transcripts); c.5271delA, p.Lys1758Argfs (NM_001407610.1, NM_001407611.1, NM_001407612.1 and 17 more transcripts); and 77 more; short protein forms K655fs, K1712fs, K1759fs, K1780fs.
Identifiers: ClinVar variation 254466 (VCV000254466.4), dbSNP rs80357732, ClinGen allele CA003415.

ClinVar aggregate classification (germline): Pathogenic. Review status: reviewed by expert panel (3 of 4 stars). 3 submissions from 3 submitters: Pathogenic (1). 2 of the submissions do not count toward it. Last evaluated 2016-09-08.

Conditions:
Breast-ovarian cancer, familial, susceptibility to, 1 (BROVCA1). Also called: BRCA1 Hereditary Breast and Ovarian Cancer; OVARIAN CANCER, SUSCEPTIBILITY TO. Identifiers: Orphanet 145, MedGen C2676676, MONDO:0011450, OMIM 604370. Disease mechanism: loss of function.

Submissions (3):

Evidence-based Network for the Interpretation of Germline Mutant Alleles (ENIGMA)
Classification: Pathogenic for Breast-ovarian cancer, familial, susceptibility to, 1. Last evaluated: 2016-09-08. Review status: reviewed by expert panel. Criteria: ENIGMA BRCA1/2 Classification Criteria (2015). Collection method: curation. Allele origin: germline.
Comment: Variant allele predicted to encode a truncated non-functional protein.

GeneDx
Classification: Pathogenic. Last evaluated: 2015-05-07. Review status: criteria provided, single submitter. Criteria: GeneDx Variant Classification (06012015). Collection method: clinical testing. Allele origin: germline. Affected: yes. Not counted in ClinVar's aggregate classification.
Comment: This deletion of one nucleotide in BRCA1 is denoted c.5276delA at the cDNA level and p.Lys1759ArgfsX6 (K1759RfsX6) at the protein level. Using alternate nomenclature, this variant would be defined as BRCA1 5395delA. The normal sequence, with the base that is deleted in braces, is AGAA[A]GGTA. The deletion causes a frameshift, which changes a Lysine to an Arginine at codon 1759, and creates a premature stop codon at position 6 of the new reading frame. Although this variant has not, to our knowledge, been reported in the literature, it is predicted to cause loss of normal protein function through either protein truncation or nonsense-mediated mRNA decay. we consider this variant to be pathogenic.

Breast Cancer Information Core (BIC) (BRCA1)
Classification: Pathogenic for Breast-ovarian cancer, familial 1. Review status: no assertion criteria provided. Collection method: clinical testing. Allele origin: unknown. Affected: yes. Observed: 1 variant allele. Not counted in ClinVar's aggregate classification.